The following is an entry in ClinVar:

NM_130384.3(ATRIP):c.34C>T (p.Arg12Trp)

Genes: ATRIP (ATR interacting protein; plus strand), ATRIP-TREX1 (ATRIP-TREX1 readthrough; plus strand), LOC129936703 (ATAC-STARR-seq lymphoblastoid silent region 14331; plus strand). Cytogenetic location: 3p21.31.
Variant type: single nucleotide variant.
Coding change: c.34C>T on transcript NM_130384.3 (MANE Select); coding-DNA position 34, C replaced by T.
Protein change: p.Arg12Trp; replaces arginine 12 with tryptophan.
Molecular consequence: missense variant. On other transcripts: non-coding transcript variant (1), intron variant (1).
Genome position (GRCh38, 1-based): chr3:48,446,879, C>T. VCF-style: chr3-48446879-C-T. GRCh37 (hg19) VCF-style: chr3-48488283-C-T.
Other names: c.34C>T, p.Arg12Trp (NM_032166.4); c.-218+80C>T (NM_001271022.2); short protein forms R12W.
Identifiers: ClinVar variation 3010205 (VCV003010205.3), dbSNP rs2039687871, ClinGen allele CA352702371.

ClinVar aggregate classification (germline): Uncertain significance (1 of 4 stars; one submission).

Submission:

Labcorp Genetics (formerly Invitae), Labcorp
Classification: Uncertain significance. Last evaluated: 2024-01-16. Review status: criteria provided, single submitter. Criteria: Invitae Variant Classification Sherloc (09022015). Collection method: clinical testing. Allele origin: germline.
Comment: This sequence change replaces arginine, which is basic and polar, with tryptophan, which is neutral and slightly polar, at codon 12 of the ATRIP protein (p.Arg12Trp). This variant is not present in population databases (gnomAD no frequency). This variant has not been reported in the literature in individuals affected with ATRIP-related conditions. Algorithms developed to predict the effect of missense changes on protein structure and function output the following: SIFT: "Not Available"; PolyPhen-2: "Possibly Damaging"; Align-GVGD: "Not Available". The tryptophan amino acid residue is found in multiple mammalian species, which suggests that this missense change does not adversely affect protein function. In summary, the available evidence is currently insufficient to determine the role of this variant in disease. Therefore, it has been classified as a Variant of Uncertain Significance.